The following is an entry in ClinVar:

NM_014956.5(CEP164):c.3749-5_3761dup

Gene: CEP164 (centrosomal protein 164; plus strand). Cytogenetic location: 11q23.3.
Variant type: Duplication.
Coding change: c.3749-5_3761dup on transcript NM_014956.5 (MANE Select); 5 bases into the intron before coding-DNA position 3749 through coding-DNA position 3761, 18 bases duplicated (TTCAGTCGACTCAACCCC).
Molecular consequence: splice acceptor variant.
Genome position (GRCh38, 1-based): chr11:117,409,613-117,409,630, TTCAGTCGACTCAACCCC duplicated. VCF-style (leftmost placement, unchanged base first): chr11-117409612-T-TTTCAGTCGACTCAACCCC. GRCh37 (hg19) VCF-style: chr11-117280328-T-TTTCAGTCGACTCAACCCC.
Other names: c.3734-5_3746dup (NM_001271933.2).
Identifiers: ClinVar variation 1053049 (VCV001053049.7), dbSNP rs2136932910, ClinGen allele CA2499220767.

ClinVar aggregate classification (germline): Uncertain significance (1 of 4 stars; one submission).

Conditions:
Nephronophthisis 15 (NPHP15). Identifiers: Orphanet 3156, MedGen C3541853, MONDO:0013917, OMIM 614845.

Submission:

Labcorp Genetics (formerly Invitae), Labcorp
Classification: Uncertain significance for Nephronophthisis 15. Last evaluated: 2020-07-08. Review status: criteria provided, single submitter. Criteria: Invitae Variant Classification Sherloc (09022015). Collection method: clinical testing. Allele origin: germline.
Comment: In summary, the available evidence is currently insufficient to determine the role of this variant in disease. Therefore, it has been classified as a Variant of Uncertain Significance. Algorithms developed to predict the effect of sequence changes on RNA splicing suggest that this variant may create or strengthen a splice site, but this prediction has not been confirmed by published transcriptional studies. This variant has not been reported in the literature in individuals with CEP164-related conditions. This variant is not present in population databases (ExAC no frequency). This sequence change falls in intron 29 of the CEP164 gene. It does not directly change the encoded amino acid sequence of the CEP164 protein.